The following is an entry in ClinVar:

ClinVar aggregate classification (germline): Uncertain significance (1 of 4 stars; one submission).

gnomAD v4.1: 3 of 1,613,802 alleles (0.00019%); highest among the groups gnomAD compares: African/African-American, 0.004%; no homozygotes.

Submission:

GeneDx
Classification: Uncertain significance. Last evaluated: 2025-06-22. Review status: criteria provided, single submitter. Criteria: GeneDx Variant Classification Process June 2021. Collection method: clinical testing. Allele origin: germline. Affected: yes.
Comment: Not observed at significant frequency in large population cohorts (gnomAD); In silico analysis supports that this missense variant has a deleterious effect on protein structure/function; Has not been previously published as pathogenic or benign to our knowledge

NM_152564.5(VPS13B):c.10901G>T (p.Ser3634Ile)

Gene: VPS13B (vacuolar protein sorting 13 homolog B; plus strand). Cytogenetic location: 8q22.2.
Variant type: single nucleotide variant.
Coding change: c.10901G>T on transcript NM_152564.5 (MANE Select); coding-DNA position 10901, G replaced by T.
Protein change: p.Ser3634Ile; replaces serine 3634 with isoleucine.
Molecular consequence: missense variant.
Genome position (GRCh38, 1-based): chr8:99,859,337, G>T. VCF-style: chr8-99859337-G-T. GRCh37 (hg19) VCF-style: chr8-100871565-G-T.
Other names: c.10976G>T, p.Ser3659Ile (NM_017890.5); short protein forms S3634I, S3659I.
Identifiers: ClinVar variation 4540044 (VCV004540044.1).